The following is an entry in ClinVar:

NM_001853.4(COL9A3):c.946G>A (p.Gly316Ser)

Gene: COL9A3 (collagen type IX alpha 3 chain; plus strand). Cytogenetic location: 20q13.33.
Variant type: single nucleotide variant.
Coding change: c.946G>A on transcript NM_001853.4 (MANE Select); coding-DNA position 946, G replaced by A.
Protein change: p.Gly316Ser; replaces glycine 316 with serine.
Molecular consequence: missense variant.
Genome position (GRCh38, 1-based): chr20:62,828,809, G>A. VCF-style: chr20-62828809-G-A. GRCh37 (hg19) VCF-style: chr20-61460161-G-A.
Other names: short protein forms G316S.
Identifiers: ClinVar variation 2077454 (VCV002077454.5), dbSNP rs770160982, ClinGen allele CA9949617.

ClinVar aggregate classification (germline): Uncertain significance. Review status: criteria provided, multiple submitters, no conflicts (2 of 4 stars). 2 submissions from 2 submitters: Uncertain significance (2). Last evaluated 2025-07-29.

Allele frequency attached by ClinVar (database versions not stated): ExAC 0.00002; gnomAD exomes below 0.00001.
gnomAD v4.1: 4 of 1,612,908 alleles (0.00025%); highest among the groups gnomAD compares: Non-Finnish European, 0.00034%; no homozygotes.

Submissions (2):

Labcorp Genetics (formerly Invitae), Labcorp
Classification: Uncertain significance. Last evaluated: 2025-07-29. Review status: criteria provided, single submitter. Criteria: Invitae Variant Classification Sherloc (09022015). Collection method: clinical testing. Allele origin: germline.
Comment: This sequence change replaces glycine, which is neutral and non-polar, with serine, which is neutral and polar, at codon 316 of the COL9A3 protein (p.Gly316Ser). This variant is present in population databases (rs770160982, gnomAD 0.003%). This variant has not been reported in the literature in individuals affected with COL9A3-related conditions. ClinVar contains an entry for this variant (Variation ID: 2077454). Invitae Evidence Modeling of protein sequence and biophysical properties (such as structural, functional, and spatial information, amino acid conservation, physicochemical variation, residue mobility, and thermodynamic stability) indicates that this missense variant is expected to disrupt COL9A3 protein function with a positive predictive value of 95%. In summary, the available evidence is currently insufficient to determine the role of this variant in disease. Therefore, it has been classified as a Variant of Uncertain Significance.

Women's Health and Genetics/Laboratory Corporation of America, LabCorp
Classification: Uncertain significance. Last evaluated: 2024-06-10. Review status: criteria provided, single submitter. Criteria: LabCorp Variant Classification Summary - May 2015. Collection method: clinical testing. Allele origin: germline.
Comment: Variant summary: COL9A3 c.946G>A (p.Gly316Ser) results in a non-conservative amino acid change in the encoded protein sequence. Four of four in-silico tools predict a damaging effect of the variant on protein function. The variant allele was found at a frequency of 1.2e-05 in 249726 control chromosomes (gnomAD). The available data on variant occurrences in the general population are insufficient to allow any conclusion about variant significance. To our knowledge, no occurrence of c.946G>A in individuals affected with Epiphyseal Dysplasia, Multiple, 3 and no experimental evidence demonstrating its impact on protein function have been reported. ClinVar contains an entry for this variant (Variation ID: 2077454). Based on the evidence outlined above, the variant was classified as uncertain significance.